The following is an entry in ClinVar:

NM_006073.4(TRDN):c.1051+6G>T

Gene: TRDN (triadin; minus strand). Cytogenetic location: 6q22.31.
Variant type: single nucleotide variant.
Coding change: c.1051+6G>T on transcript NM_006073.4 (MANE Select); 6 bases into the intron after coding-DNA position 1051, G replaced by T.
Molecular consequence: intron variant.
Genome position (GRCh38, 1-based): chr6:123,438,057, C>A on the plus strand (G>T on the coding strand, the complement: TRDN is on the minus strand). VCF-style: chr6-123438057-C-A. GRCh37 (hg19) VCF-style: chr6-123759202-C-A.
Other names: c.1054+6G>T (NM_001251987.2).
Identifiers: ClinVar variation 2008593 (VCV002008593.4), dbSNP rs2534019774, ClinGen allele CA2580074860.

ClinVar aggregate classification (germline): Uncertain significance (1 of 4 stars; one submission).

Conditions:
Catecholaminergic polymorphic ventricular tachycardia 1. Also called: RYR2-Related Catecholaminergic Polymorphic Ventricular Tachycardia; VENTRICULAR TACHYCARDIA, CATECHOLAMINERGIC POLYMORPHIC, 1, WITH OR WITHOUT ATRIAL DYSFUNCTION AND/OR DILATED CARDIOMYOPATHY; VENTRICULAR TACHYCARDIA, STRESS-INDUCED POLYMORPHIC 1. Identifiers: Orphanet 3286, MedGen C1631597, MONDO:0011484, OMIM 604772.

Submission:

Labcorp Genetics (formerly Invitae), Labcorp
Classification: Uncertain significance for Catecholaminergic polymorphic ventricular tachycardia 1. Last evaluated: 2022-11-08. Review status: criteria provided, single submitter. Criteria: Invitae Variant Classification Sherloc (09022015). Collection method: clinical testing. Allele origin: germline.
Comment: In summary, the available evidence is currently insufficient to determine the role of this variant in disease. Therefore, it has been classified as a Variant of Uncertain Significance. Variants that disrupt the consensus splice site are a relatively common cause of aberrant splicing (PMID: 17576681, 9536098). Algorithms developed to predict the effect of sequence changes on RNA splicing suggest that this variant is not likely to affect RNA splicing. This variant has not been reported in the literature in individuals affected with TRDN-related conditions. This variant is not present in population databases (gnomAD no frequency). This sequence change falls in intron 12 of the TRDN gene. It does not directly change the encoded amino acid sequence of the TRDN protein. It affects a nucleotide within the consensus splice site.

Literature cited by the submitters: PubMed 17576681; PubMed 9536098.